The following is an entry in ClinVar:

ClinVar aggregate classification (germline): Uncertain significance. Review status: criteria provided, multiple submitters, no conflicts (2 of 4 stars). 2 submissions from 2 submitters: Uncertain significance (2). Last evaluated 2025-07-13.

Conditions:
Leukodystrophy, hypomyelinating, 27 (HLD27). Identifiers: MedGen C5882743, MONDO:0958018, OMIM 620675.

gnomAD v4.1: 24 of 1,614,026 alleles (0.0015%); highest among the groups gnomAD compares: Admixed American, 0.0033%; no homozygotes.

Submissions (2):

Labcorp Genetics (formerly Invitae), Labcorp
Classification: Uncertain significance. Last evaluated: 2025-07-13. Review status: criteria provided, single submitter. Criteria: Invitae Variant Classification Sherloc (09022015). Collection method: clinical testing. Allele origin: germline.
Comment: This sequence change replaces isoleucine, which is neutral and non-polar, with threonine, which is neutral and polar, at codon 81 of the POLR1A protein (p.Ile81Thr). This variant is present in population databases (rs779334452, gnomAD 0.006%). This variant has not been reported in the literature in individuals affected with POLR1A-related conditions. Invitae Evidence Modeling of protein sequence and biophysical properties (such as structural, functional, and spatial information, amino acid conservation, physicochemical variation, residue mobility, and thermodynamic stability) indicates that this missense variant is not expected to disrupt POLR1A protein function with a negative predictive value of 80%. In summary, the available evidence is currently insufficient to determine the role of this variant in disease. Therefore, it has been classified as a Variant of Uncertain Significance.

Juno Genomics, Hangzhou Juno Genomics, Inc
Classification: Uncertain significance for Leukodystrophy, hypomyelinating, 27. Review status: criteria provided, single submitter. Criteria: ACMG Guidelines, 2015. Collection method: clinical testing. Allele origin: germline.
Comment: Absent from controls (or at extremely low frequency if recessive) in Genome Aggregation Database.;Missense variant in a gene that has a low rate of benign missense variation.;Multiple lines of computational evidence support a deleterious effect on the gene or gene product.

NM_015425.6(POLR1A):c.242T>C (p.Ile81Thr)

Gene: POLR1A (RNA polymerase I subunit A; minus strand). Cytogenetic location: 2p11.2.
Variant type: single nucleotide variant.
Coding change: c.242T>C on transcript NM_015425.6 (MANE Select); coding-DNA position 242, T replaced by C.
Protein change: p.Ile81Thr; replaces isoleucine 81 with threonine.
Molecular consequence: missense variant.
Genome position (GRCh38, 1-based): chr2:86,100,008, A>G on the plus strand (T>C on the coding strand, the complement: POLR1A is on the minus strand). VCF-style: chr2-86100008-A-G. GRCh37 (hg19) VCF-style: chr2-86327131-A-G.
Other names: short protein forms I81T.
Identifiers: ClinVar variation 4745751 (VCV004745751.3).
Genomic context (GRCh38, chr2:86,100,008, plus strand): 5'-ACAACTAAGGCAGCACTTACATCGAAGAGGAGAGGGTTATACACTGTGAGTGGGAGCTCA[A>G]TGTGGCCCAGGTGCCCAGAACAGTTGCTGAAGTCCTGCACGCAGGTGGAGCACACCTCTT-3'
Protein context (NP_056240.2, residues 71-91): FSNCSGHLGH[Ile81Thr]ELPLTVYNPL